The following is an entry in ClinVar:

ClinVar aggregate classification (germline): Uncertain significance. Review status: criteria provided, multiple submitters, no conflicts (2 of 4 stars). 2 submissions from 2 submitters: Uncertain significance (2). Last evaluated 2025-12-29.

Conditions:
Pulmonary hypertension, primary, 4. Identifiers: Orphanet 422, MedGen C3809198, MONDO:0014136, OMIM 615344.

Allele frequency attached by ClinVar (database versions not stated): 1000 Genomes Project 30x 0.00016.
gnomAD v4.1: 39 of 1,562,638 alleles (0.0025%); highest among the groups gnomAD compares: Middle Eastern, 0.1%; no homozygotes.

Submissions (2):

Labcorp Genetics (formerly Invitae), Labcorp
Classification: Uncertain significance for Pulmonary hypertension, primary, 4. Last evaluated: 2025-12-29. Review status: criteria provided, single submitter. Criteria: Invitae Variant Classification Sherloc (09022015). Collection method: clinical testing. Allele origin: germline.
Comment: This sequence change replaces glycine, which is neutral and non-polar, with alanine, which is neutral and non-polar, at codon 275 of the KCNK3 protein (p.Gly275Ala). This variant is present in population databases (rs764611480, gnomAD 0.01%). This variant has not been reported in the literature in individuals affected with KCNK3-related conditions. ClinVar contains an entry for this variant (Variation ID: 2038807). Invitae Evidence Modeling of protein sequence and biophysical properties (such as structural, functional, and spatial information, amino acid conservation, physicochemical variation, residue mobility, and thermodynamic stability) indicates that this missense variant is not expected to disrupt KCNK3 protein function with a negative predictive value of 80%. In summary, the available evidence is currently insufficient to determine the role of this variant in disease. Therefore, it has been classified as a Variant of Uncertain Significance.

Fulgent Genetics
Classification: Uncertain significance for Pulmonary hypertension, primary, 4. Last evaluated: 2024-01-24. Review status: criteria provided, single submitter. Criteria: ACMG Guidelines, 2015. Collection method: clinical testing. Allele origin: germline.

NM_002246.3(KCNK3):c.824G>C (p.Gly275Ala)

Gene: KCNK3 (potassium two pore domain channel subfamily K member 3; plus strand). Cytogenetic location: 2p23.3.
Variant type: single nucleotide variant.
Coding change: c.824G>C on transcript NM_002246.3 (MANE Select); coding-DNA position 824, G replaced by C.
Protein change: p.Gly275Ala; replaces glycine 275 with alanine.
Molecular consequence: missense variant.
Genome position (GRCh38, 1-based): chr2:26,728,207, G>C. VCF-style: chr2-26728207-G-C. GRCh37 (hg19) VCF-style: chr2-26951075-G-C.
Other names: short protein forms G275A.
Identifiers: ClinVar variation 2038807 (VCV002038807.5), dbSNP rs764611480, ClinGen allele CA1565549.